The following is an entry in ClinVar:

ClinVar aggregate classification (germline): Uncertain significance. Review status: criteria provided, multiple submitters, no conflicts (2 of 4 stars). 5 submissions from 5 submitters: Uncertain significance (3). 2 of the submissions do not count toward it. Last evaluated 2026-01-26.

Conditions:
Inborn genetic diseases. Identifiers: MedGen C0950123, MeSH D030342.
DCHS1-related disorder. Also called: DCHS1-related condition.

Allele frequency attached by ClinVar (database versions not stated): gnomAD exomes 0.00005 and 0.00010; ESP Exome Variant Server 0.00015; gnomAD 0.00003; ExAC 0.00007; TOPMed 0.00004.
gnomAD v4.1: 73 of 1,613,786 alleles (0.0045%); highest among the groups gnomAD compares: Admixed American, 0.012%; no homozygotes.

Submissions (5):

Labcorp Genetics (formerly Invitae), Labcorp
Classification: Uncertain significance. Last evaluated: 2026-01-26. Review status: criteria provided, single submitter. Criteria: Invitae Variant Classification Sherloc (09022015). Collection method: clinical testing. Allele origin: germline.
Comment: This sequence change replaces arginine, which is basic and polar, with histidine, which is basic and polar, at codon 161 of the DCHS1 protein (p.Arg161His). This variant is present in population databases (rs140561117, gnomAD 0.02%). This variant has not been reported in the literature in individuals affected with DCHS1-related conditions. ClinVar contains an entry for this variant (Variation ID: 1175042). Invitae Evidence Modeling of protein sequence and biophysical properties (such as structural, functional, and spatial information, amino acid conservation, physicochemical variation, residue mobility, and thermodynamic stability) indicates that this missense variant is not expected to disrupt DCHS1 protein function with a negative predictive value of 95%. In summary, the available evidence is currently insufficient to determine the role of this variant in disease. Therefore, it has been classified as a Variant of Uncertain Significance.

Ambry Genetics
Classification: Uncertain significance for Inborn genetic diseases. Last evaluated: 2023-12-06. Review status: criteria provided, single submitter. Criteria: Ambry Variant Classification Scheme 2023. Collection method: clinical testing. Allele origin: germline.

PreventionGenetics, part of Exact Sciences
Classification: Uncertain significance for DCHS1-related condition. Last evaluated: 2022-10-04. Review status: criteria provided, single submitter. Criteria: ACMG Guidelines, 2015. Collection method: clinical testing. Allele origin: germline.
Comment: The DCHS1 c.482G>A variant is predicted to result in the amino acid substitution p.Arg161His. To our knowledge, this variant has not been reported in the literature. This variant is reported in 0.020% of alleles in individuals of African descent in gnomAD. At this time, the clinical significance of this variant is uncertain due to the absence of conclusive functional and genetic evidence.

Clinical Genetics DNA and cytogenetics Diagnostics Lab, Erasmus MC, Erasmus Medical Center
Classification: Uncertain significance. Review status: no assertion criteria provided. Collection method: clinical testing. Allele origin: germline. Affected: yes. Study: VKGL Data-share Consensus. Not counted in ClinVar's aggregate classification.

Diagnostic Laboratory, Department of Genetics, University Medical Center Groningen
Classification: Uncertain significance. Review status: no assertion criteria provided. Collection method: clinical testing. Allele origin: germline. Affected: yes. Study: VKGL Data-share Consensus. Not counted in ClinVar's aggregate classification.

NM_003737.4(DCHS1):c.482G>A (p.Arg161His)

Gene: DCHS1 (dachsous cadherin-related 1; minus strand). Cytogenetic location: 11p15.4.
Variant type: single nucleotide variant.
Coding change: c.482G>A on transcript NM_003737.4 (MANE Select); coding-DNA position 482, G replaced by A.
Protein change: p.Arg161His; replaces arginine 161 with histidine.
Molecular consequence: missense variant.
Genome position (GRCh38, 1-based): chr11:6,641,132, C>T on the plus strand (G>A on the coding strand, the complement: DCHS1 is on the minus strand). VCF-style: chr11-6641132-C-T. GRCh37 (hg19) VCF-style: chr11-6662363-C-T.
Other names: c.482G>A (NM_003737.2, NM_003737.3); short protein forms R161H.
Identifiers: ClinVar variation 1175042 (VCV001175042.9), dbSNP rs140561117, ClinGen allele CA5861148.